The following is an entry in ClinVar:

ClinVar aggregate classification (germline): Uncertain significance (1 of 4 stars; one submission).

Submission:

Labcorp Genetics (formerly Invitae), Labcorp
Classification: Uncertain significance. Last evaluated: 2021-12-14. Review status: criteria provided, single submitter. Criteria: Invitae Variant Classification Sherloc (09022015). Collection method: clinical testing. Allele origin: germline.
Comment: In summary, the available evidence is currently insufficient to determine the role of this variant in disease. Therefore, it has been classified as a Variant of Uncertain Significance. This variant is not present in population databases (gnomAD no frequency). This sequence change replaces glutamic acid, which is acidic and polar, with glutamine, which is neutral and polar, at codon 558 of the RGS9 protein (p.Glu558Gln). This variant has not been reported in the literature in individuals affected with RGS9-related conditions. Algorithms developed to predict the effect of missense changes on protein structure and function output the following: SIFT: "Tolerated"; PolyPhen-2: "Benign"; Align-GVGD: "Class C0". The glutamine amino acid residue is found in multiple mammalian species, which suggests that this missense change does not adversely affect protein function.

NM_003835.4(RGS9):c.1672G>C (p.Glu558Gln)

Gene: RGS9 (regulator of G protein signaling 9; plus strand). Cytogenetic location: 17q24.1.
Variant type: single nucleotide variant.
Coding change: c.1672G>C on transcript NM_003835.4 (MANE Select); coding-DNA position 1672, G replaced by C.
Protein change: p.Glu558Gln; replaces glutamic acid 558 with glutamine.
Molecular consequence: missense variant.
Genome position (GRCh38, 1-based): chr17:65,225,266, G>C. VCF-style: chr17-65225266-G-C. GRCh37 (hg19) VCF-style: chr17-63221384-G-C.
Other names: c.1663G>C, p.Glu555Gln (NM_001081955.3); short protein forms E558Q, E555Q.
Identifiers: ClinVar variation 1396997 (VCV001396997.6), dbSNP rs759032207, ClinGen allele CA400673754.